The following is an entry in ClinVar:

ClinVar aggregate classification (germline): Uncertain significance (1 of 4 stars; one submission).

Submission:

Labcorp Genetics (formerly Invitae), Labcorp
Classification: Uncertain significance. Last evaluated: 2022-07-11. Review status: criteria provided, single submitter. Criteria: Invitae Variant Classification Sherloc (09022015). Collection method: clinical testing. Allele origin: germline.
Comment: Algorithms developed to predict the effect of missense changes on protein structure and function are either unavailable or do not agree on the potential impact of this missense change (SIFT: "Deleterious"; PolyPhen-2: "Possibly Damaging"; Align-GVGD: "Class C0"). ClinVar contains an entry for this variant (Variation ID: 1377561). This variant has not been reported in the literature in individuals affected with SCN3A-related conditions. This variant is not present in population databases (gnomAD no frequency). This sequence change replaces aspartic acid, which is acidic and polar, with tyrosine, which is neutral and polar, at codon 1937 of the SCN3A protein (p.Asp1937Tyr). In summary, the available evidence is currently insufficient to determine the role of this variant in disease. Therefore, it has been classified as a Variant of Uncertain Significance.

NM_006922.4(SCN3A):c.5809G>T (p.Asp1937Tyr)

Gene: SCN3A (sodium voltage-gated channel alpha subunit 3; minus strand). Cytogenetic location: 2q24.3.
Variant type: single nucleotide variant.
Coding change: c.5809G>T on transcript NM_006922.4 (MANE Select); coding-DNA position 5809, G replaced by T.
Protein change: p.Asp1937Tyr; replaces aspartic acid 1937 with tyrosine.
Molecular consequence: missense variant.
Genome position (GRCh38, 1-based): chr2:165,090,344, C>A on the plus strand (G>T on the coding strand, the complement: SCN3A is on the minus strand). VCF-style: chr2-165090344-C-A. GRCh37 (hg19) VCF-style: chr2-165946854-C-A.
Other names: c.5662G>T, p.Asp1888Tyr (NM_001081676.2, NM_001081677.2); short protein forms D1888Y, D1937Y.
Identifiers: ClinVar variation 1377561 (VCV001377561.6), dbSNP rs2105616433, ClinGen allele CA349009577.
Genomic context (GRCh38, chr2:165,090,344, plus strand): 5'-TTTCTGGAGTGGAGTTCCCATTTAGTTTGTCAATAATCATGTCTTGTTTTATAGGTAAGT[C>A]AATCCTCCCTTTAATTGCCTCTTTGTTATAGTTACTTGATATATTTTTTAACCTTTGCTT-3'
Protein context (NP_008853.3, residues 1927-1947): YNKEAIKGRI[Asp1937Tyr]LPIKQDMIID